The following is an entry in ClinVar:

NM_020347.4(LZTFL1):c.214G>T (p.Glu72Ter)

Gene: LZTFL1 (leucine zipper transcription factor like 1; minus strand). Cytogenetic location: 3p21.31.
Variant type: single nucleotide variant.
Coding change: c.214G>T on transcript NM_020347.4 (MANE Select); coding-DNA position 214, G replaced by T.
Protein change: p.Glu72Ter; replaces glutamic acid 72 with a stop codon.
Molecular consequence: nonsense. On other transcripts: non-coding transcript variant (1).
Genome position (GRCh38, 1-based): chr3:45,835,699, C>A on the plus strand (G>T on the coding strand, the complement: LZTFL1 is on the minus strand). VCF-style: chr3-45835699-C-A. GRCh37 (hg19) VCF-style: chr3-45877191-C-A.
Other names: c.163G>T, p.Glu55Ter (NM_001276378.2, NM_001386451.1); c.202G>T, p.Glu68Ter (NM_001276379.2); c.214G>T, p.Glu72Ter (NM_001386452.1); short protein forms E55*, E72*, E68*.
Identifiers: ClinVar variation 504369 (VCV000504369.2), dbSNP rs1553612629, ClinGen allele CA352453990.

ClinVar aggregate classification (germline): Likely pathogenic (1 of 4 stars; one submission).

Submission:

GeneDx
Classification: Likely pathogenic. Last evaluated: 2018-02-23. Review status: criteria provided, single submitter. Criteria: GeneDx Variant Classification (06012015). Collection method: clinical testing. Allele origin: germline. Affected: yes.
Comment: The E72X variant in the LZTFL1 gene has not been reported previously as a pathogenic variant nor as a benign variant, to our knowledge. This variant is predicted to cause loss of normal protein function either through protein truncation or nonsense-mediated mRNA decay. The E72X variant is not observed in large population cohorts (Lek et al., 2016). We interpret E72X as a likely pathogenic variant.